The following is an entry in ClinVar:

ClinVar aggregate classification (germline): Uncertain significance. Review status: criteria provided, multiple submitters, no conflicts (2 of 4 stars). 5 submissions from 5 submitters: Uncertain significance (5). Last evaluated 2026-01-24.

Conditions:
Familial thoracic aortic aneurysm and aortic dissection (TAAD). Also called: Thoracic aortic aneurysms and dissections. Identifiers: Orphanet 91387, MedGen C4707243, MONDO:0019625.
Aortic aneurysm, familial thoracic 4 (AAT4). Also called: AORTIC ANEURYSM/AORTIC DISSECTION AND PATENT DUCTUS ARTERIOSUS. Identifiers: MedGen C1851504, MONDO:0007568, OMIM 132900.

Allele frequency attached by ClinVar (database versions not stated): TOPMed below 0.00001.
gnomAD v4.1: 19 of 1,614,104 alleles (0.0012%); highest among the groups gnomAD compares: Non-Finnish European, 0.0016%; no homozygotes.

Submissions (5):

Labcorp Genetics (formerly Invitae), Labcorp
Classification: Uncertain significance for Aortic aneurysm, familial thoracic 4. Last evaluated: 2026-01-24. Review status: criteria provided, single submitter. Criteria: Invitae Variant Classification Sherloc (09022015). Collection method: clinical testing. Allele origin: germline.
Comment: This sequence change replaces serine, which is neutral and polar, with arginine, which is basic and polar, at codon 1920 of the MYH11 protein (p.Ser1920Arg). This variant is not present in population databases (gnomAD no frequency). This variant has not been reported in the literature in individuals affected with MYH11-related conditions. ClinVar contains an entry for this variant (Variation ID: 923255). Invitae Evidence Modeling of protein sequence and biophysical properties (such as structural, functional, and spatial information, amino acid conservation, physicochemical variation, residue mobility, and thermodynamic stability) indicates that this missense variant is not expected to disrupt MYH11 protein function with a negative predictive value of 95%. In summary, the available evidence is currently insufficient to determine the role of this variant in disease. Therefore, it has been classified as a Variant of Uncertain Significance.

Ambry Genetics
Classification: Uncertain significance for Familial thoracic aortic aneurysm and aortic dissection. Last evaluated: 2024-09-06. Review status: criteria provided, single submitter. Criteria: Ambry Variant Classification Scheme 2023. Collection method: clinical testing. Allele origin: germline.
Comment: The p.S1913R variant (also known as c.5737A>C), located in coding exon 39 of the MYH11 gene, results from an A to C substitution at nucleotide position 5737. The serine at codon 1913 is replaced by arginine, an amino acid with dissimilar properties. This amino acid position is conserved. In addition, this alteration is predicted to be tolerated by in silico analysis. Since supporting evidence is limited at this time, the clinical significance of this alteration remains unclear.

All of Us Research Program, National Institutes of Health
Classification: Uncertain significance for Familial thoracic aortic aneurysm and aortic dissection. Last evaluated: 2024-04-16. Review status: criteria provided, single submitter. Criteria: ACMG Guidelines, 2015. Collection method: clinical testing. Allele origin: germline. Inheritance: Autosomal dominant inheritance. Observed: 1 variant allele, 1 heterozygote.
Comment: Variant of Uncertain Significance due to insufficient evidence: This missense variant is located in the coiled coil myosin tail domain of the MYH11 protein. Computational prediction tools and conservation analyses are inconclusive regarding the impact of this variant on the protein function. Computational splicing tools suggest that this variant may not impact RNA splicing. To our knowledge, functional assays have not been performed for this variant nor has this variant been reported in individuals affected with cardiovascular disorders in the literature. This variant is rare in the general population and has been identified in 0/277264 chromosomes by the Genome Aggregation Database (gnomAD). Available evidence is insufficient to determine the pathogenicity of this variant conclusively.

This study involves interpretation of variants in research participants for the purpose of population health screening. Participant phenotype was not available at the time of variant classification. Additional details can be found in publication PMID: 35346344, PMCID: PMC8962531

Color Diagnostics, LLC DBA Color Health
Classification: Uncertain significance for Familial thoracic aortic aneurysm and aortic dissection. Last evaluated: 2023-12-04. Review status: criteria provided, single submitter. Criteria: ACMG Guidelines, 2015. Collection method: clinical testing. Allele origin: germline.
Comment: Variant of Uncertain Significance due to insufficient evidence: This missense variant is located in the coiled coil myosin tail domain of the MYH11 protein. Computational prediction tools and conservation analyses are inconclusive regarding the impact of this variant on the protein function. Computational splicing tools suggest that this variant may not impact RNA splicing. To our knowledge, functional assays have not been performed for this variant nor has this variant been reported in individuals affected with cardiovascular disorders in the literature. This variant is rare in the general population and has been identified in 0/277264 chromosomes by the Genome Aggregation Database (gnomAD). Available evidence is insufficient to determine the pathogenicity of this variant conclusively.

GeneDx
Classification: Uncertain significance. Last evaluated: 2023-01-18. Review status: criteria provided, single submitter. Criteria: GeneDx Variant Classification Process June 2021. Collection method: clinical testing. Allele origin: germline. Affected: yes.
Comment: Not observed at significant frequency in large population cohorts (gnomAD); In silico analysis supports that this missense variant does not alter protein structure/function; Has not been previously published as pathogenic or benign to our knowledge

NM_002474.3(MYH11):c.5737A>C (p.Ser1913Arg)

Genes: NDE1 (nudE neurodevelopment protein 1; plus strand), MYH11 (myosin heavy chain 11; minus strand). Cytogenetic location: 16p13.11.
Variant type: single nucleotide variant.
Coding change: c.5737A>C on transcript NM_002474.3 (MANE Select); coding-DNA position 5737, A replaced by C.
Protein change: p.Ser1913Arg; replaces serine 1913 with arginine.
Molecular consequence: missense variant. On other transcripts: intron variant (2).
Genome position (GRCh38, 1-based): chr16:15,714,958, T>G on the plus strand (A>C on the coding strand, the complement: MYH11 is on the minus strand). VCF-style: chr16-15714958-T-G. GRCh37 (hg19) VCF-style: chr16-15808815-T-G.
Other names: c.5758A>C, p.Ser1920Arg (NM_001040113.2, NM_001040114.2); c.5737A>C, p.Ser1913Arg (NM_022844.3); c.948-9233T>G (NM_001143979.2, NM_017668.3); short protein forms S1913R, S1920R.
Identifiers: ClinVar variation 923255 (VCV000923255.15), dbSNP rs760586766, ClinGen allele CA278593455.